The following is an entry in ClinVar:

NM_001142640.2(TNRC6C):c.3249A>G (p.Gln1083=)

Gene: TNRC6C (trinucleotide repeat containing adaptor 6C; plus strand). Cytogenetic location: 17q25.3.
Variant type: single nucleotide variant.
Coding change: c.3249A>G on transcript NM_001142640.2 (MANE Select); coding-DNA position 3249, A replaced by G.
Protein change: p.Gln1083=; no amino-acid change (glutamine 1083 retained).
Molecular consequence: synonymous variant.
Genome position (GRCh38, 1-based): chr17:78,067,773, A>G. VCF-style: chr17-78067773-A-G. GRCh37 (hg19) VCF-style: chr17-76063854-A-G.
Other names: c.2619A>G, p.Gln873= (NM_001395508.1, NM_001395511.1, NM_001395512.1); c.3249A>G, p.Gln1083= (NM_001395509.1, NM_001395510.1); c.2628A>G, p.Gln876= (NM_018996.3).
Identifiers: ClinVar variation 2648335 (VCV002648335.24), dbSNP rs2510052066, ClinGen allele CA502072475.

ClinVar aggregate classification (germline): Uncertain significance (1 of 4 stars; one submission).

Allele frequency attached by ClinVar (database versions not stated): gnomAD exomes below 0.00001.
gnomAD v4.1: 3 of 1,608,970 alleles (0.00019%); highest among the groups gnomAD compares: Non-Finnish European, 0.00025%; no homozygotes.

Submission:

CeGaT Center for Human Genetics Tuebingen
Classification: Uncertain significance. Last evaluated: 2022-04-01. Review status: criteria provided, single submitter. Criteria: CeGaT Center For Human Genetics Tuebingen Variant Classification Criteria Version 2. Collection method: clinical testing. Allele origin: germline. Affected: yes. Observed: 1 variant allele.
Comment: TNRC6C: PM2:Supporting, BP4